The following is an entry in ClinVar:

NM_015443.4(KANSL1):c.744A>G (p.Leu248=)

Gene: KANSL1 (KAT8 regulatory NSL complex subunit 1). Cytogenetic location: 17q21.31.
Variant type: single nucleotide variant.
Coding change: c.744A>G on transcript NM_015443.4 (MANE Select); coding-DNA position 744, A replaced by G.
Protein change: p.Leu248=; no amino-acid change (leucine 248 retained).
Molecular consequence: synonymous variant.
Genome position (GRCh38, 1-based): chr17:46,171,400, T>C on the plus strand (A>G on the coding strand, the complement: KANSL1 is on the minus strand). VCF-style: chr17-46171400-T-C. GRCh37 (hg19) VCF-style: chr17-44248766-T-C.
Other names: c.744A>G, p.Leu248= (NM_001193465.2, NM_001193466.2, NM_001379198.1).
Identifiers: ClinVar variation 377988 (VCV000377988.9), dbSNP rs748000142, ClinGen allele CA8618972.
Genomic context (GRCh38, chr17:46,171,400, plus strand): 5'-AGACTTTTTACCCTCCAATTTGACACCCCCCAAGTTAGAGCTGGAGTCTGTACCAGGTGA[T>C]AATCTACTGCTTCCTTGAAGTGCCGGCTGTTCCATGGAATTGACAGAGGATTTGTTTGCA-3'
Protein context (NP_056258.1, residues 238-258): EQPALQGSSR[Leu248=]SPGTDSSSNL

ClinVar aggregate classification (germline): Likely benign. Review status: criteria provided, multiple submitters, no conflicts (2 of 4 stars). 2 submissions from 2 submitters: Likely benign (2). Last evaluated 2022-06-27.

Conditions:
Koolen-de Vries syndrome (KDVS). Identifiers: Orphanet 96169, MedGen C1864871, MONDO:0012496, OMIM 610443.

Allele frequency attached by ClinVar (database versions not stated): ExAC 0.00001; gnomAD 0.00001; gnomAD exomes 0.00001; TOPMed 0.00001.
gnomAD v4.1: 19 of 1,614,046 alleles (0.0012%); highest among the groups gnomAD compares: East Asian, 0.0045%; no homozygotes.

Submissions (2):

Labcorp Genetics (formerly Invitae), Labcorp
Classification: Likely benign for Koolen-de Vries syndrome. Last evaluated: 2022-06-27. Review status: criteria provided, single submitter. Criteria: Invitae Variant Classification Sherloc (09022015). Collection method: clinical testing. Allele origin: germline.

GeneDx
Classification: Likely benign. Last evaluated: 2015-11-10. Review status: criteria provided, single submitter. Criteria: GeneDx Variant Classification (06012015). Collection method: clinical testing. Allele origin: germline. Affected: yes.
Comment: This variant is considered likely benign or benign based on one or more of the following criteria: it is a conservative change, it occurs at a poorly conserved position in the protein, it is predicted to be benign by multiple in silico algorithms, and/or has population frequency not consistent with disease.